The following is an entry in ClinVar:

ClinVar aggregate classification (germline): Uncertain significance (1 of 4 stars; one submission).

Conditions:
Congenital myasthenic syndrome 2A. Also called: Myasthenic syndrome, congenital, 2a, slow-channel. Identifiers: Orphanet 590, MedGen C4225374, MONDO:0014581, OMIM 616313.

Submission:

Labcorp Genetics (formerly Invitae), Labcorp
Classification: Uncertain significance for Congenital myasthenic syndrome 2A. Last evaluated: 2025-07-23. Review status: criteria provided, single submitter. Criteria: Invitae Variant Classification Sherloc (09022015). Collection method: clinical testing. Allele origin: germline.
Comment: This sequence change replaces alanine, which is neutral and non-polar, with serine, which is neutral and polar, at codon 490 of the CHRNB1 protein (p.Ala490Ser). This variant is not present in population databases (gnomAD no frequency). This variant has not been reported in the literature in individuals affected with CHRNB1-related conditions. Invitae Evidence Modeling of protein sequence and biophysical properties (such as structural, functional, and spatial information, amino acid conservation, physicochemical variation, residue mobility, and thermodynamic stability) indicates that this missense variant is not expected to disrupt CHRNB1 protein function with a negative predictive value of 95%. In summary, the available evidence is currently insufficient to determine the role of this variant in disease. Therefore, it has been classified as a Variant of Uncertain Significance.

NM_000747.3(CHRNB1):c.1468G>T (p.Ala490Ser)

Gene: CHRNB1 (cholinergic receptor nicotinic beta 1 subunit; plus strand). Cytogenetic location: 17p13.1.
Variant type: single nucleotide variant.
Coding change: c.1468G>T on transcript NM_000747.3 (MANE Select); coding-DNA position 1468, G replaced by T.
Protein change: p.Ala490Ser; replaces alanine 490 with serine.
Molecular consequence: missense variant.
Genome position (GRCh38, 1-based): chr17:7,456,685, G>T. VCF-style: chr17-7456685-G-T. GRCh37 (hg19) VCF-style: chr17-7360004-G-T.
Other names: short protein forms A490S.
Identifiers: ClinVar variation 4698589 (VCV004698589.1).